The following is an entry in ClinVar:

NM_000426.4(LAMA2):c.6518A>G (p.Asn2173Ser)

Gene: LAMA2 (laminin subunit alpha 2; plus strand). Cytogenetic location: 6q22.33.
Variant type: single nucleotide variant.
Coding change: c.6518A>G on transcript NM_000426.4 (MANE Select); coding-DNA position 6518, A replaced by G.
Protein change: p.Asn2173Ser; replaces asparagine 2173 with serine.
Molecular consequence: missense variant.
Genome position (GRCh38, 1-based): chr6:129,453,076, A>G. VCF-style: chr6-129453076-A-G. GRCh37 (hg19) VCF-style: chr6-129774221-A-G.
Other names: c.6518A>G, p.Asn2173Ser (NM_001079823.2); short protein forms N2173S.
Identifiers: ClinVar variation 967947 (VCV000967947.6), dbSNP rs529110314, ClinGen allele CA3994288.

ClinVar aggregate classification (germline): Uncertain significance. Review status: criteria provided, multiple submitters, no conflicts (2 of 4 stars). 2 submissions from 2 submitters: Uncertain significance (2). Last evaluated 2025-04-07.

Conditions:
Inborn genetic diseases. Identifiers: MedGen C0950123, MeSH D030342.
LAMA2-related muscular dystrophy (LAMA2-RD). Also called: Laminin alpha 2-related dystrophy. Identifiers: MedGen C5679788, MONDO:0100228.

Allele frequency attached by ClinVar (database versions not stated): gnomAD exomes 0.00001; ExAC 0.00002; TOPMed 0.00003; 1000 Genomes Project 30x 0.00016; 1000 Genomes Project 0.00020.
gnomAD v4.1: 6 of 1,613,188 alleles (0.00037%); highest among the groups gnomAD compares: East Asian, 0.011%; no homozygotes.

Submissions (2):

Labcorp Genetics (formerly Invitae), Labcorp
Classification: Uncertain significance for LAMA2-related muscular dystrophy. Last evaluated: 2025-04-07. Review status: criteria provided, single submitter. Criteria: Invitae Variant Classification Sherloc (09022015). Collection method: clinical testing. Allele origin: germline.
Comment: This sequence change replaces asparagine, which is neutral and polar, with serine, which is neutral and polar, at codon 2173 of the LAMA2 protein (p.Asn2173Ser). This variant is present in population databases (rs529110314, gnomAD 0.01%). This variant has not been reported in the literature in individuals affected with LAMA2-related conditions. ClinVar contains an entry for this variant (Variation ID: 967947). Invitae Evidence Modeling of protein sequence and biophysical properties (such as structural, functional, and spatial information, amino acid conservation, physicochemical variation, residue mobility, and thermodynamic stability) indicates that this missense variant is not expected to disrupt LAMA2 protein function with a negative predictive value of 95%. In summary, the available evidence is currently insufficient to determine the role of this variant in disease. Therefore, it has been classified as a Variant of Uncertain Significance.

Ambry Genetics
Classification: Uncertain significance for Inborn genetic diseases. Last evaluated: 2021-08-12. Review status: criteria provided, single submitter. Criteria: Ambry Variant Classification Scheme 2023. Collection method: clinical testing. Allele origin: germline.